The following is an entry in ClinVar:

ClinVar aggregate classification (germline): Uncertain significance (1 of 4 stars; one submission).

Conditions:
Emery-Dreifuss muscular dystrophy 4, autosomal dominant (EDMD4). Also called: EMERY-DREIFUSS MUSCULAR DYSTROPHY 4 WITH VARIABLE FEATURES. Identifiers: Orphanet 261, MedGen C2751807, MONDO:0013071, OMIM 612998.
Autosomal recessive ataxia, Beauce type. Also called: Spinocerebellar ataxia, autosomal recessive 8; ATAXIA, RECESSIVE, OF BEAUCE; SYNE1-Related Autosomal Recessive Cerebellar Ataxia; SYNE1 Deficiency. Identifiers: Orphanet 88644, MedGen C1853116, MONDO:0012549, OMIM 610743.

Submission:

Labcorp Genetics (formerly Invitae), Labcorp
Classification: Uncertain significance for Emery-Dreifuss muscular dystrophy 4, autosomal dominant; Autosomal recessive ataxia, Beauce type. Last evaluated: 2018-08-01. Review status: criteria provided, single submitter. Criteria: Invitae Variant Classification Sherloc (09022015). Collection method: clinical testing. Allele origin: germline.
Comment: This variant has not been reported in the literature in individuals with SYNE1-related disease. Algorithms developed to predict the effect of missense changes on protein structure and function are either unavailable or do not agree on the potential impact of this missense change (SIFT: "Deleterious"; PolyPhen-2: "Probably Damaging"; Align-GVGD: "Class C0"). In summary, the available evidence is currently insufficient to determine the role of this variant in disease. Therefore, it has been classified as a Variant of Uncertain Significance. This variant is not present in population databases (ExAC no frequency). This sequence change replaces cysteine with arginine at codon 7913 of the SYNE1 protein (p.Cys7913Arg). The cysteine residue is highly conserved and there is a large physicochemical difference between cysteine and arginine.

NM_182961.4(SYNE1):c.23950T>C (p.Cys7984Arg)

Gene: SYNE1 (spectrin repeat containing nuclear envelope protein 1; minus strand). Cytogenetic location: 6q25.2.
Variant type: single nucleotide variant.
Coding change: c.23950T>C on transcript NM_182961.4 (MANE Select); coding-DNA position 23950, T replaced by C.
Protein change: p.Cys7984Arg; replaces cysteine 7984 with arginine.
Molecular consequence: missense variant.
Genome position (GRCh38, 1-based): chr6:152,155,938, A>G on the plus strand (T>C on the coding strand, the complement: SYNE1 is on the minus strand). VCF-style: chr6-152155938-A-G. GRCh37 (hg19) VCF-style: chr6-152477073-A-G.
Other names: c.556T>C, p.Cys186Arg (NM_001347701.2); c.415T>C, p.Cys139Arg (NM_001347702.2); c.23737T>C, p.Cys7913Arg (NM_033071.5); short protein forms C186R, C139R, C7913R, C7984R.
Identifiers: ClinVar variation 660600 (VCV000660600.8), dbSNP rs1586408465, ClinGen allele CA366088060.
Genomic context (GRCh38, chr6:152,155,938, plus strand): 5'-TCTTCCCTATCTGTTTCAGCATCCCAGCTCACTTCAGCCTCCTTTCCATGGACATAGCAC[A>G]AATGTTTCTCCACCGCCGGTCCAGGTTTCTCGTAGCCTGCTGTATAGAGTCACACTCGGC-3'
Protein context (NP_892006.3, residues 7974-7994): RNLDRRWRNI[Cys7984Arg]AMSMERRLKI